The following is an entry in ClinVar:

ClinVar aggregate classification (germline): Benign (1 of 4 stars; one submission).

Submission:

CeGaT Center for Human Genetics Tuebingen
Classification: Benign. Last evaluated: 2026-09-01. Review status: criteria provided, single submitter. Criteria: CeGaT Center For Human Genetics Tuebingen Variant Classification Criteria Version 2. Collection method: clinical testing. Allele origin: germline. Affected: yes. Observed: 7 variant alleles.
Comment: PALB2: BS1, BS2

NC_000016.10:g.23641448G>C

Gene: PALB2 (partner and localizer of BRCA2; minus strand). Cytogenetic location: 16p12.2.
Variant type: single nucleotide variant.
Genome position: GRCh38 VCF-style: chr16-23641448-G-C. GRCh37 (hg19) VCF-style: chr16-23652769-G-C.
Identifiers: ClinVar variation 4083689 (VCV004083689.8).